The following is an entry in ClinVar:

NM_138694.4(PKHD1):c.2833A>T (p.Asn945Tyr)

Gene: PKHD1 (PKHD1 ciliary IPT domain containing fibrocystin/polyductin; minus strand). Cytogenetic location: 6p12.2.
Variant type: single nucleotide variant.
Coding change: c.2833A>T on transcript NM_138694.4 (MANE Select); coding-DNA position 2833, A replaced by T.
Protein change: p.Asn945Tyr; replaces asparagine 945 with tyrosine.
Molecular consequence: missense variant.
Genome position (GRCh38, 1-based): chr6:52,043,123, T>A on the plus strand (A>T on the coding strand, the complement: PKHD1 is on the minus strand). VCF-style: chr6-52043123-T-A. GRCh37 (hg19) VCF-style: chr6-51907921-T-A.
Other names: c.2833A>T, p.Asn945Tyr (NM_170724.3); short protein forms N945Y.
Identifiers: ClinVar variation 5001476 (VCV005001476.1).
Genomic context (GRCh38, chr6:52,043,123, plus strand): 5'-TAACCTGCAAGAACTGGGAGTCACCAGAGAAACCAGTTCCGGTAATGTAAATCATTAGGT[T>A]GATGTCACCATCTTAAAGGAGAAAAGAAATTAAAAAACAAATAAAATAATCTCTCAGTGA-3'
Protein context (NP_619639.3, residues 935-955): SVWYSIDGDI[Asn945Tyr]LMIYITGTGF

ClinVar aggregate classification (germline): Uncertain significance (1 of 4 stars; one submission).

Conditions:
PKHD1-related disorder. Also called: PKHD1-related condition.

gnomAD v4.1: 3 of 1,611,936 alleles (0.00019%); highest among the groups gnomAD compares: Non-Finnish European, 0.00025%; no homozygotes.

Submission:

PreventionGenetics, part of Exact Sciences
Classification: Uncertain significance for PKHD1-related condition. Last evaluated: 2025-03-25. Review status: criteria provided, single submitter. Criteria: ACMG Guidelines, 2015. Collection method: clinical testing. Allele origin: germline.
Comment: The PKHD1 c.2833A>T variant is predicted to result in the amino acid substitution p.Asn945Tyr. To our knowledge, this variant has not been reported in the literature or in a large population database (gnomAD), indicating this variant is rare. At this time, the clinical significance of this variant is uncertain due to the absence of conclusive functional and genetic evidence.